The following is an entry in ClinVar:

ClinVar aggregate classification (germline): Uncertain significance (1 of 4 stars; one submission).

Submission:

GeneDx
Classification: Uncertain significance. Last evaluated: 2024-08-06. Review status: criteria provided, single submitter. Criteria: GeneDx Variant Classification Process June 2021. Collection method: clinical testing. Allele origin: germline. Affected: yes.
Comment: Not observed at significant frequency in large population cohorts (gnomAD); In silico analysis indicates that this missense variant does not alter protein structure/function; Has not been previously published as pathogenic or benign to our knowledge

NM_000295.5(SERPINA1):c.1045G>C (p.Ala349Pro)

Gene: SERPINA1 (serpin family A member 1; minus strand). Cytogenetic location: 14q32.13.
Variant type: single nucleotide variant.
Coding change: c.1045G>C on transcript NM_000295.5 (MANE Select); coding-DNA position 1045, G replaced by C.
Protein change: p.Ala349Pro; replaces alanine 349 with proline.
Molecular consequence: missense variant.
Genome position (GRCh38, 1-based): chr14:94,379,484, C>G on the plus strand (G>C on the coding strand, the complement: SERPINA1 is on the minus strand). VCF-style: chr14-94379484-C-G. GRCh37 (hg19) VCF-style: chr14-94845821-C-G.
Other names: c.1045G>C, p.Ala349Pro (NM_001002235.3, NM_001002236.3, NM_001127700.2 and 7 more transcripts); short protein forms A349P.
Identifiers: ClinVar variation 3602806 (VCV003602806.1).